The following is an entry in ClinVar:

NM_001004334.4(GPR179):c.2731G>A (p.Val911Met)

Gene: GPR179 (G protein-coupled receptor 179; minus strand). Cytogenetic location: 17q12.
Variant type: single nucleotide variant.
Coding change: c.2731G>A on transcript NM_001004334.4 (MANE Select); coding-DNA position 2731, G replaced by A.
Protein change: p.Val911Met; replaces valine 911 with methionine.
Molecular consequence: missense variant.
Genome position (GRCh38, 1-based): chr17:38,330,838, C>T on the plus strand (G>A on the coding strand, the complement: GPR179 is on the minus strand). VCF-style: chr17-38330838-C-T. GRCh37 (hg19) VCF-style: chr17-36486721-C-T.
Other names: c.2731G>A (NM_001004334.2); short protein forms V911M.
Identifiers: ClinVar variation 1524926 (VCV001524926.7), dbSNP rs201772198, ClinGen allele CA290105603.

ClinVar aggregate classification (germline): Conflicting classifications of pathogenicity. Review status: criteria provided, conflicting classifications (1 of 4 stars). 3 submissions from 3 submitters: Uncertain significance (1); Likely benign (2). Last evaluated 2025-07-31.

Conditions:
Inborn genetic diseases. Identifiers: MedGen C0950123, MeSH D030342.

Allele frequency attached by ClinVar (database versions not stated): gnomAD exomes 0.00004 and 0.00008; ExAC 0.00012; gnomAD 0.00029 and 0.00031; TOPMed 0.00032; ESP Exome Variant Server 0.00047.
gnomAD v4.1: 103 of 1,604,022 alleles (0.0064%); highest among the groups gnomAD compares: African/African-American, 0.11%; no homozygotes.

Submissions (3):

Labcorp Genetics (formerly Invitae), Labcorp
Classification: Uncertain significance. Last evaluated: 2025-07-31. Review status: criteria provided, single submitter. Criteria: Invitae Variant Classification Sherloc (09022015). Collection method: clinical testing. Allele origin: germline.
Comment: This sequence change replaces valine, which is neutral and non-polar, with methionine, which is neutral and non-polar, at codon 911 of the GPR179 protein (p.Val911Met). This variant is present in population databases (rs201772198, gnomAD 0.1%). This variant has not been reported in the literature in individuals affected with GPR179-related conditions. ClinVar contains an entry for this variant (Variation ID: 1524926). An algorithm developed to predict the effect of missense changes on protein structure and function outputs the following: PolyPhen-2: "Benign". The methionine amino acid residue is found in multiple mammalian species, which suggests that this missense change does not adversely affect protein function. In summary, the available evidence is currently insufficient to determine the role of this variant in disease. Therefore, it has been classified as a Variant of Uncertain Significance.

Blueprint Genetics
Classification: Likely benign. Last evaluated: 2024-09-12. Review status: criteria provided, single submitter. Criteria: ACMG Guidelines, 2015. Collection method: clinical testing. Allele origin: germline.

Ambry Genetics
Classification: Likely benign for Inborn genetic diseases. Last evaluated: 2023-05-08. Review status: criteria provided, single submitter. Criteria: Ambry Variant Classification Scheme 2023. Collection method: clinical testing. Allele origin: germline.